The following is an entry in ClinVar:

NM_000884.3(IMPDH2):c.13C>A (p.Leu5Met)

Gene: IMPDH2 (inosine monophosphate dehydrogenase 2; minus strand). Cytogenetic location: 3p21.31.
Variant type: single nucleotide variant.
Coding change: c.13C>A on transcript NM_000884.3 (MANE Select); coding-DNA position 13, C replaced by A.
Protein change: p.Leu5Met; replaces leucine 5 with methionine.
Molecular consequence: missense variant.
Genome position (GRCh38, 1-based): chr3:49,029,338, G>T on the plus strand (C>A on the coding strand, the complement: IMPDH2 is on the minus strand). VCF-style: chr3-49029338-G-T. GRCh37 (hg19) VCF-style: chr3-49066771-G-T.
Other names: c.13C>A, p.Leu5Met (NM_001410759.1, NM_001410760.1, NM_001410761.1); short protein forms L5M.
Identifiers: ClinVar variation 4976250 (VCV004976250.1).

ClinVar aggregate classification (germline): Uncertain significance (1 of 4 stars; one submission).

Submission:

GeneDx
Classification: Uncertain significance. Last evaluated: 2026-02-14. Review status: criteria provided, single submitter. Criteria: GeneDx Variant Classification Process June 2021. Collection method: clinical testing. Allele origin: germline.
Comment: Not observed at significant frequency in large population cohorts (gnomAD); In silico analysis suggests that this missense variant does not alter protein structure/function; Has not been previously published as pathogenic or benign to our knowledge